The following is an entry in ClinVar:

ClinVar aggregate classification (germline): Pathogenic (1 of 4 stars; one submission).

Submission:

Labcorp Genetics (formerly Invitae), Labcorp
Classification: Pathogenic. Last evaluated: 2025-07-27. Review status: criteria provided, single submitter. Criteria: Invitae Variant Classification Sherloc (09022015). Collection method: clinical testing. Allele origin: germline.
Comment: This sequence change creates a premature translational stop signal (p.Glu1641*) in the SI gene. It is expected to result in an absent or disrupted protein product. Loss-of-function variants in SI are known to be pathogenic (PMID: 16329100, 23103650, 25452324). This variant is not present in population databases (gnomAD no frequency). This variant has not been reported in the literature in individuals affected with SI-related conditions. Algorithms developed to predict the effect of sequence changes on RNA splicing suggest that this variant may disrupt the consensus splice site. For these reasons, this variant has been classified as Pathogenic.

Literature cited by the submitters: PubMed 16329100; PubMed 23103650; PubMed 25452324.

NM_001041.4(SI):c.4921G>T (p.Glu1641Ter)

Gene: SI (sucrase-isomaltase; minus strand). Cytogenetic location: 3q26.1.
Variant type: single nucleotide variant.
Coding change: c.4921G>T on transcript NM_001041.4 (MANE Select); coding-DNA position 4921, G replaced by T.
Protein change: p.Glu1641Ter; replaces glutamic acid 1641 with a stop codon.
Molecular consequence: nonsense.
Genome position (GRCh38, 1-based): chr3:164,992,318, C>A on the plus strand (G>T on the coding strand, the complement: SI is on the minus strand). VCF-style: chr3-164992318-C-A. GRCh37 (hg19) VCF-style: chr3-164710106-C-A.
Other names: short protein forms E1641*.
Identifiers: ClinVar variation 4807753 (VCV004807753.1).